The following is an entry in ClinVar:

ClinVar aggregate classification (germline): Uncertain significance. Review status: criteria provided, multiple submitters, no conflicts (2 of 4 stars). 2 submissions from 2 submitters: Uncertain significance (2). Last evaluated 2020-07-01.

Conditions:
Rhabdoid tumor predisposition syndrome 2 (RTPS2). Identifiers: Orphanet 231108, Orphanet 69077, MedGen C2750074, MONDO:0013224, OMIM 613325.
Hereditary cancer-predisposing syndrome. Also called: Hereditary Cancer Syndrome; Tumor predisposition; Hereditary neoplastic syndrome; Neoplastic Syndromes, Hereditary. Identifiers: Orphanet 140162, MedGen C0027672, MeSH D009386, MONDO:0015356.

Submissions (2):

Labcorp Genetics (formerly Invitae), Labcorp
Classification: Uncertain significance for Rhabdoid tumor predisposition syndrome 2. Last evaluated: 2020-07-01. Review status: criteria provided, single submitter. Criteria: Invitae Variant Classification Sherloc (09022015). Collection method: clinical testing. Allele origin: germline.
Comment: In summary, the available evidence is currently insufficient to determine the role of this variant in disease. Therefore, it has been classified as a Variant of Uncertain Significance. Algorithms developed to predict the effect of missense changes on protein structure and function are either unavailable or do not agree on the potential impact of this missense change (SIFT: "Tolerated"; PolyPhen-2: "Benign"; Align-GVGD: "Class C0"). This variant has not been reported in the literature in individuals with SMARCA4-related conditions. This variant is not present in population databases (ExAC no frequency). This sequence change replaces proline with serine at codon 159 of the SMARCA4 protein (p.Pro159Ser). The proline residue is highly conserved and there is a moderate physicochemical difference between proline and serine.

Ambry Genetics
Classification: Uncertain significance for Hereditary cancer-predisposing syndrome. Last evaluated: 2020-02-25. Review status: criteria provided, single submitter. Criteria: Ambry Variant Classification Scheme 2023. Collection method: clinical testing. Allele origin: germline.
Comment: The p.P159S variant (also known as c.475C>T), located in coding exon 3 of the SMARCA4 gene, results from a C to T substitution at nucleotide position 475. The proline at codon 159 is replaced by serine, an amino acid with similar properties. This amino acid position is well conserved in available vertebrate species. In addition, this alteration is predicted to be tolerated by in silico analysis. Since supporting evidence is limited at this time, the clinical significance of this alteration remains unclear.

NM_003072.5(SMARCA4):c.475C>T (p.Pro159Ser)

Gene: SMARCA4 (SWI/SNF related BAF chromatin remodeling complex subunit ATPase 4; plus strand). Cytogenetic location: 19p13.2.
Variant type: single nucleotide variant.
Coding change: c.475C>T on transcript NM_003072.5 (MANE Select); coding-DNA position 475, C replaced by T.
Protein change: p.Pro159Ser; replaces proline 159 with serine.
Molecular consequence: missense variant. On other transcripts: non-coding transcript variant (1).
Genome position (GRCh38, 1-based): chr19:10,986,308, C>T. VCF-style: chr19-10986308-C-T. GRCh37 (hg19) VCF-style: chr19-11096984-C-T.
Other names: c.475C>T, p.Pro159Ser (NM_001128844.3, NM_001128845.2, NM_001128846.2 and 5 more transcripts); short protein forms P159S.
Identifiers: ClinVar variation 1056668 (VCV001056668.11), dbSNP rs2145775190, ClinGen allele CA404056071.